The following is an entry in ClinVar:

ClinVar aggregate classification (germline): Uncertain significance (1 of 4 stars; one submission).

gnomAD v4.1: 2 of 1,608,202 alleles (0.00012%); highest among the groups gnomAD compares: South Asian, 0.0022%; no homozygotes.

Submission:

Labcorp Genetics (formerly Invitae), Labcorp
Classification: Uncertain significance. Last evaluated: 2022-07-02. Review status: criteria provided, single submitter. Criteria: Invitae Variant Classification Sherloc (09022015). Collection method: clinical testing. Allele origin: germline.
Comment: This sequence change replaces leucine, which is neutral and non-polar, with methionine, which is neutral and non-polar, at codon 120 of the REEP6 protein (p.Leu120Met). This variant is not present in population databases (gnomAD no frequency). This variant has not been reported in the literature in individuals affected with REEP6-related conditions. Experimental studies and prediction algorithms are not available or were not evaluated, and the functional significance of this variant is currently unknown. In summary, the available evidence is currently insufficient to determine the role of this variant in disease. Therefore, it has been classified as a Variant of Uncertain Significance.

NM_138393.4(REEP6):c.358C>A (p.Leu120Met)

Gene: REEP6 (receptor accessory protein 6; plus strand). Cytogenetic location: 19p13.3.
Variant type: single nucleotide variant.
Coding change: c.358C>A on transcript NM_138393.4 (MANE Select); coding-DNA position 358, C replaced by A.
Protein change: p.Leu120Met; replaces leucine 120 with methionine.
Molecular consequence: missense variant.
Genome position (GRCh38, 1-based): chr19:1,496,294, C>A. VCF-style: chr19-1496294-C-A. GRCh37 (hg19) VCF-style: chr19-1496293-C-A.
Other names: c.358C>A, p.Leu120Met (NM_001329556.3); short protein forms L120M.
Identifiers: ClinVar variation 2013306 (VCV002013306.1), dbSNP rs2512806944, ClinGen allele CA403056886.